The following is an entry in ClinVar:

ClinVar aggregate classification (germline): Uncertain significance (1 of 4 stars; one submission).

Conditions:
Fanconi anemia (FA). Also called: Fanconi's anemia. Identifiers: Orphanet 84, MedGen C0015625, MeSH D005199, MONDO:0019391.

gnomAD v4.1: 2 of 1,203,143 alleles (0.00017%); highest among the groups gnomAD compares: Non-Finnish European, 0.00022%; no homozygotes.

Submission:

Labcorp Genetics (formerly Invitae), Labcorp
Classification: Uncertain significance for Fanconi anemia. Last evaluated: 2025-05-27. Review status: criteria provided, single submitter. Criteria: Invitae Variant Classification Sherloc (09022015). Collection method: clinical testing. Allele origin: germline.
Comment: This sequence change replaces glycine, which is neutral and non-polar, with alanine, which is neutral and non-polar, at codon 127 of the FANCB protein (p.Gly127Ala). This variant is not present in population databases (gnomAD no frequency). This variant has not been reported in the literature in individuals affected with FANCB-related conditions. Invitae Evidence Modeling of protein sequence and biophysical properties (such as structural, functional, and spatial information, amino acid conservation, physicochemical variation, residue mobility, and thermodynamic stability) indicates that this missense variant is not expected to disrupt FANCB protein function with a negative predictive value of 80%. In summary, the available evidence is currently insufficient to determine the role of this variant in disease. Therefore, it has been classified as a Variant of Uncertain Significance.

NM_001018113.3(FANCB):c.380G>C (p.Gly127Ala)

Gene: FANCB (FA complementation group B; minus strand). Cytogenetic location: Xp22.2.
Variant type: single nucleotide variant.
Coding change: c.380G>C on transcript NM_001018113.3 (MANE Select); coding-DNA position 380, G replaced by C.
Protein change: p.Gly127Ala; replaces glycine 127 with alanine.
Molecular consequence: missense variant.
Genome position (GRCh38, 1-based): chrX:14,865,131, C>G on the plus strand (G>C on the coding strand, the complement: FANCB is on the minus strand). VCF-style: chrX-14865131-C-G. GRCh37 (hg19) VCF-style: chrX-14883253-C-G.
Other names: c.380G>C, p.Gly127Ala (NM_001324162.2, NM_001410764.1, NM_152633.4); short protein forms G127A.
Identifiers: ClinVar variation 4748966 (VCV004748966.1).